The following is an entry in ClinVar:

ClinVar aggregate classification (germline): Uncertain significance. Review status: criteria provided, multiple submitters, no conflicts (2 of 4 stars). 2 submissions from 2 submitters: Uncertain significance (2). Last evaluated 2024-10-09.

Conditions:
Inborn genetic diseases. Identifiers: MedGen C0950123, MeSH D030342.

Allele frequency attached by ClinVar (database versions not stated): gnomAD 0.00001; TOPMed 0.00001.
gnomAD v4.1: 8 of 1,614,054 alleles (0.0005%); highest among the groups gnomAD compares: Non-Finnish European, 0.00059%; no homozygotes.

Submissions (2):

Ambry Genetics
Classification: Uncertain significance for Inborn genetic diseases. Last evaluated: 2024-10-09. Review status: criteria provided, single submitter. Criteria: Ambry Variant Classification Scheme 2023. Collection method: clinical testing. Allele origin: germline.

Labcorp Genetics (formerly Invitae), Labcorp
Classification: Uncertain significance. Last evaluated: 2024-02-24. Review status: criteria provided, single submitter. Criteria: Invitae Variant Classification Sherloc (09022015). Collection method: clinical testing. Allele origin: germline.
Comment: This sequence change replaces phenylalanine, which is neutral and non-polar, with leucine, which is neutral and non-polar, at codon 946 of the TRPM1 protein (p.Phe946Leu). This variant is present in population databases (rs572580501, gnomAD 0.003%). This variant has not been reported in the literature in individuals affected with TRPM1-related conditions. ClinVar contains an entry for this variant (Variation ID: 1025119). Advanced modeling of protein sequence and biophysical properties (such as structural, functional, and spatial information, amino acid conservation, physicochemical variation, residue mobility, and thermodynamic stability) performed at Invitae indicates that this missense variant is not expected to disrupt TRPM1 protein function with a negative predictive value of 95%. In summary, the available evidence is currently insufficient to determine the role of this variant in disease. Therefore, it has been classified as a Variant of Uncertain Significance.

NM_001252024.2(TRPM1):c.2902T>C (p.Phe968Leu)

Genes: TRPM1-AS1 (TRPM1 antisense RNA 1; plus strand), TRPM1 (transient receptor potential cation channel subfamily M member 1; minus strand). Cytogenetic location: 15q13.3.
Variant type: single nucleotide variant.
Coding change: c.2902T>C on transcript NM_001252024.2 (MANE Select); coding-DNA position 2902, T replaced by C.
Protein change: p.Phe968Leu; replaces phenylalanine 968 with leucine.
Molecular consequence: missense variant.
Genome position (GRCh38, 1-based): chr15:31,032,739, A>G on the plus strand (T>C on the coding strand, the complement: TRPM1 is on the minus strand). VCF-style: chr15-31032739-A-G. GRCh37 (hg19) VCF-style: chr15-31324942-A-G.
Other names: c.2953T>C, p.Phe985Leu (NM_001252020.2); c.2836T>C, p.Phe946Leu (NM_002420.6); c.2836T>C (NM_002420.4); short protein forms F946L, F968L, F985L.
Identifiers: ClinVar variation 1025119 (VCV001025119.8), dbSNP rs572580501, ClinGen allele CA7452048.